The following is an entry in ClinVar:

ClinVar aggregate classification (germline): Likely benign (1 of 4 stars; one submission).

Allele frequency attached by ClinVar (database versions not stated): gnomAD exomes 0.00004; ExAC 0.00011; ESP Exome Variant Server 0.00015; gnomAD 0.00031; TOPMed 0.00034.

Submission:

CeGaT Center for Human Genetics Tuebingen
Classification: Likely benign. Last evaluated: 2023-04-01. Review status: criteria provided, single submitter. Criteria: CeGaT Center For Human Genetics Tuebingen Variant Classification Criteria Version 2. Collection method: clinical testing. Allele origin: germline. Affected: yes. Observed: 1 variant allele.
Comment: INTS5: BP4, BP7

NM_030628.2(INTS5):c.2710C>T (p.Leu904=)

Gene: INTS5 (integrator complex subunit 5; minus strand). Cytogenetic location: 11q12.3.
Variant type: single nucleotide variant.
Coding change: c.2710C>T on transcript NM_030628.2 (MANE Select); coding-DNA position 2710, C replaced by T.
Protein change: p.Leu904=; no amino-acid change (leucine 904 retained).
Molecular consequence: synonymous variant.
Genome position (GRCh38, 1-based): chr11:62,647,370, G>A on the plus strand (C>T on the coding strand, the complement: INTS5 is on the minus strand). VCF-style: chr11-62647370-G-A. GRCh37 (hg19) VCF-style: chr11-62414842-G-A.
Identifiers: ClinVar variation 2641884 (VCV002641884.24), dbSNP rs149296876, ClinGen allele CA6051365.